The following is an entry in ClinVar:

NM_015335.5(MED13L):c.4096G>T (p.Ala1366Ser)

Gene: MED13L (mediator complex subunit 13L; minus strand). Cytogenetic location: 12q24.21.
Variant type: single nucleotide variant.
Coding change: c.4096G>T on transcript NM_015335.5 (MANE Select); coding-DNA position 4096, G replaced by T.
Protein change: p.Ala1366Ser; replaces alanine 1366 with serine.
Molecular consequence: missense variant.
Genome position (GRCh38, 1-based): chr12:115,987,127, C>A on the plus strand (G>T on the coding strand, the complement: MED13L is on the minus strand). VCF-style: chr12-115987127-C-A. GRCh37 (hg19) VCF-style: chr12-116424932-C-A.
Other names: short protein forms A1366S.
Identifiers: ClinVar variation 4056616 (VCV004056616.1).

ClinVar aggregate classification (germline): Uncertain significance (1 of 4 stars; one submission).

Conditions:
Cardiac anomalies - developmental delay - facial dysmorphism syndrome (MRFACD). Also called: Impaired intellectual development and distinctive facial features with or without cardiac defects; MED13L Syndrome. Identifiers: Orphanet 369891, MedGen C5192431, MONDO:0014773, OMIM 616789.

Submission:

Laboratorio de Genetica e Diagnostico Molecular, Hospital Israelita Albert Einstein
Classification: Uncertain significance for Cardiac anomalies - developmental delay - facial dysmorphism syndrome. Last evaluated: 2023-06-06. Review status: criteria provided, single submitter. Criteria: ACMG Guidelines, 2015. Collection method: clinical testing. Allele origin: germline. Affected: yes.
Comment: ACMG classification criteria: PM2 moderate, PP2 supporting